The following is an entry in ClinVar:

ClinVar aggregate classification (germline): Likely benign. Review status: criteria provided, single submitter (1 of 4 stars). 2 submissions from 2 submitters: Likely benign (1). 1 of the submissions does not count toward it. Last evaluated 2021-08-23.

Conditions:
Inborn genetic diseases. Identifiers: MedGen C0950123, MeSH D030342.

Allele frequency attached by ClinVar (database versions not stated): ExAC 0.00004; gnomAD exomes 0.00005 and 0.00012; gnomAD 0.00009; TOPMed 0.00012.
gnomAD v4.1: 91 of 1,614,170 alleles (0.0056%); highest among the groups gnomAD compares: Admixed American, 0.042%; no homozygotes.

Submissions (2):

Ambry Genetics
Classification: Likely benign for Inborn genetic diseases. Last evaluated: 2021-08-23. Review status: criteria provided, single submitter. Criteria: Ambry Variant Classification Scheme 2023. Collection method: clinical testing. Allele origin: germline.

Department of Pathology and Laboratory Medicine, Sinai Health System
Classification: Uncertain significance. Review status: no assertion criteria provided. Collection method: clinical testing. Allele origin: unknown. Affected: yes. Study: The Canadian Open Genetics Repository (COGR). Not counted in ClinVar's aggregate classification.
Comment: The BRPF1 p.Arg454Cys variant was not identified in the literature nor was it identified in ClinVar, Cosmic or LOVD 3.0. The variant was identified in dbSNP (ID: rs765130214) and in control databases in 31 of 282460 chromosomes at a frequency of 0.00011 (Genome Aggregation Database Feb 27, 2017). The variant was observed in the following populations: Ashkenazi Jewish in 13 of 10360 chromosomes (freq: 0.001255), Latino in 13 of 35398 chromosomes (freq: 0.000367), South Asian in 2 of 30594 chromosomes (freq: 0.000065), East Asian in 1 of 19948 chromosomes (freq: 0.00005) and European (non-Finnish) in 2 of 128904 chromosomes (freq: 0.000016); it was not observed in the African, European (Finnish) and Other populations. The variant occurs outside of the splicing consensus sequence and in silico or computational prediction software programs (SpliceSiteFinder, MaxEntScan, NNSPLICE, GeneSplicer) do not predict a difference in splicing. The p.Arg454 residue is conserved in mammals but not more distantly related organisms and computational analyses (PolyPhen-2, SIFT, AlignGVGD, BLOSUM, MutationTaster) provide inconsistent predictions regarding the impact to the protein; this information is not very predictive of pathogenicity. In summary, based on the above information the clinical significance of this variant cannot be determined with certainty at this time. This variant is classified as a variant of uncertain significance.

NM_001003694.2(BRPF1):c.1360C>T (p.Arg454Cys)

Gene: BRPF1 (bromodomain and PHD finger containing 1; plus strand). Cytogenetic location: 3p25.3.
Variant type: single nucleotide variant.
Coding change: c.1360C>T on transcript NM_001003694.2 (MANE Select); coding-DNA position 1360, C replaced by T.
Protein change: p.Arg454Cys; replaces arginine 454 with cysteine.
Molecular consequence: missense variant. On other transcripts: non-coding transcript variant (1).
Genome position (GRCh38, 1-based): chr3:9,739,759, C>T. VCF-style: chr3-9739759-C-T. GRCh37 (hg19) VCF-style: chr3-9781443-C-T.
Other names: c.1360C>T, p.Arg454Cys (NM_001319049.2, NM_001319050.2, NM_004634.3); c.1360C>T (NM_001003694.1); short protein forms R454C.
Identifiers: ClinVar variation 1050691 (VCV001050691.4), dbSNP rs765130214, ClinGen allele CA2241842.